The following is an entry in ClinVar:

ClinVar aggregate classification (germline): Conflicting classifications of pathogenicity. Review status: criteria provided, conflicting classifications (1 of 4 stars). 14 submissions from 14 submitters: Uncertain significance (1); Benign (1); Likely benign (7). 5 of the submissions do not count toward it. Last evaluated 2026-06-01.

Conditions:
GALC-related disorder. Also called: GALC-related condition.
Galactosylceramide beta-galactosidase deficiency. Also called: GALACTOCEREBROSIDASE DEFICIENCY; GALC DEFICIENCY; GLOBOID CELL LEUKOENCEPHALOPATHY; Krabbe Disease; Leukodystrophy, Globoid Cell. Identifiers: Orphanet 487, MedGen C0023521, MONDO:0009499, OMIM 245200.
Intellectual disability. Also called: Intellectual functioning disability; Intellectual developmental disorder; intellectual disabilities. Identifiers: MedGen C3714756, MeSH D008607, MONDO:0001071, HP:0001249.

Allele frequency attached by ClinVar (database versions not stated): ESP Exome Variant Server 0.00037; 1000 Genomes Project 30x 0.00047; TOPMed 0.00120.
gnomAD v4.1: 2,137 of 1,585,660 alleles (0.13%); highest among the groups gnomAD compares: Middle Eastern, 0.85%; 4 homozygotes.

Submissions (14):

CeGaT Center for Human Genetics Tuebingen
Classification: Likely benign. Last evaluated: 2026-06-01. Review status: criteria provided, single submitter. Criteria: CeGaT Center For Human Genetics Tuebingen Variant Classification Criteria Version 2. Collection method: clinical testing. Allele origin: germline. Affected: yes. Observed: 7 variant alleles.
Comment: GALC: BS2

Labcorp Genetics (formerly Invitae), Labcorp
Classification: Likely benign for Galactosylceramide beta-galactosidase deficiency. Last evaluated: 2026-01-27. Review status: criteria provided, single submitter. Criteria: Invitae Variant Classification Sherloc (09022015). Collection method: clinical testing. Allele origin: germline.

Mayo Clinic Laboratories, Mayo Clinic
Classification: Benign. Last evaluated: 2025-10-03. Review status: criteria provided, single submitter. Criteria: ACMG Guidelines, 2015. Collection method: clinical testing. Allele origin: germline. Observed: 5 variant alleles.
Comment: BS1, BP4_strong

Blueprint Genetics
Classification: Likely benign. Last evaluated: 2024-11-26. Review status: criteria provided, single submitter. Criteria: ACMG Guidelines, 2015. Collection method: clinical testing. Allele origin: germline.

Revvity Omics, Revvity
Classification: Likely benign. Last evaluated: 2023-10-16. Review status: criteria provided, single submitter. Criteria: ACMG Guidelines, 2015. Collection method: clinical testing. Allele origin: germline.

Department of Pathology and Laboratory Medicine, Sinai Health System
Classification: Likely benign for Galactosylceramide beta-galactosidase deficiency. Last evaluated: 2023-04-17. Review status: criteria provided, single submitter. Criteria: ACMG Guidelines, 2015. Collection method: research. Allele origin: germline.

Genome-Nilou Lab
Classification: Likely benign for Galactosylceramide beta-galactosidase deficiency. Last evaluated: 2021-05-18. Review status: criteria provided, single submitter. Criteria: ACMG Guidelines, 2015. Collection method: clinical testing. Allele origin: germline. Affected: no.

GeneDx
Classification: Likely benign. Last evaluated: 2019-10-11. Review status: criteria provided, single submitter. Criteria: GeneDx Variant Classification Process June 2021. Collection method: clinical testing. Allele origin: germline. Affected: yes.
Comment: In silico analysis, which includes protein predictors and evolutionary conservation, supports that this variant does not alter protein structure/function

Illumina Laboratory Services, Illumina
Classification: Uncertain significance for Galactosylceramide beta-galactosidase deficiency. Last evaluated: 2018-01-13. Review status: criteria provided, single submitter. Criteria: ICSL Variant Classification Criteria 13 December 2019. Collection method: clinical testing. Allele origin: germline.

PreventionGenetics, part of Exact Sciences
Classification: Likely benign for GALC-related condition. Last evaluated: 2022-01-31. Review status: no assertion criteria provided. Collection method: clinical testing. Allele origin: germline. Not counted in ClinVar's aggregate classification.
Comment: This variant is classified as likely benign based on ACMG/AMP sequence variant interpretation guidelines (Richards et al. 2015 PMID: 25741868, with internal and published modifications).

Natera, Inc.
Classification: Uncertain significance for Galactosylceramide beta-galactosidase deficiency. Last evaluated: 2020-04-23. Review status: no assertion criteria provided. Collection method: clinical testing. Allele origin: germline. Not counted in ClinVar's aggregate classification.

Centre de Biologie Pathologie Génétique, Centre Hospitalier Universitaire de Lille
Classification: Uncertain significance for Intellectual disability. Last evaluated: 2019-01-01. Review status: no assertion criteria provided. Collection method: clinical testing. Allele origin: unknown. Affected: yes. Not counted in ClinVar's aggregate classification.

Clinical Genetics DNA and cytogenetics Diagnostics Lab, Erasmus MC, Erasmus Medical Center
Classification: Likely benign. Review status: no assertion criteria provided. Collection method: clinical testing. Allele origin: germline. Affected: yes. Study: VKGL Data-share Consensus. Not counted in ClinVar's aggregate classification.

Laboratory of Diagnostic Genome Analysis, Leiden University Medical Center (LUMC)
Classification: Likely benign. Review status: no assertion criteria provided. Collection method: clinical testing. Allele origin: germline. Affected: yes. Study: VKGL Data-share Consensus. Not counted in ClinVar's aggregate classification.

NM_000153.4(GALC):c.41C>G (p.Ala14Gly)

Gene: GALC (galactosylceramidase; minus strand). Cytogenetic location: 14q31.3.
Variant type: single nucleotide variant.
Coding change: c.41C>G on transcript NM_000153.4 (MANE Select); coding-DNA position 41, C replaced by G.
Protein change: p.Ala14Gly; replaces alanine 14 with glycine.
Molecular consequence: missense variant. On other transcripts: intron variant (1).
Genome position (GRCh38, 1-based): chr14:87,993,124, G>C on the plus strand (C>G on the coding strand, the complement: GALC is on the minus strand). VCF-style: chr14-87993124-G-C. GRCh37 (hg19) VCF-style: chr14-88459468-G-C.
Other names: p.A14G; c.41C>G, p.Ala14Gly (NM_001201401.2); c.117+259C>G (NM_001201402.2); short protein forms A14G.
Identifiers: ClinVar variation 314763 (VCV000314763.75), dbSNP rs373587692, ClinGen allele CA7297524.